The following is an entry in ClinVar:

NM_001283009.2(RTEL1):c.3379C>A (p.Arg1127Ser)

Genes: RTEL1 (regulator of telomere elongation helicase 1; plus strand), RTEL1-TNFRSF6B (RTEL1-TNFRSF6B readthrough (NMD candidate); plus strand). Cytogenetic location: 20q13.33.
Variant type: single nucleotide variant.
Coding change: c.3379C>A on transcript NM_001283009.2 (MANE Select); coding-DNA position 3379, C replaced by A.
Protein change: p.Arg1127Ser; replaces arginine 1127 with serine.
Molecular consequence: missense variant. On other transcripts: non-coding transcript variant (1).
Genome position (GRCh38, 1-based): chr20:63,695,101, C>A. VCF-style: chr20-63695101-C-A. GRCh37 (hg19) VCF-style: chr20-62326454-C-A.
Other names: c.2710C>A, p.Arg904Ser (NM_001283010.1); c.3379C>A, p.Arg1127Ser (NM_016434.4); c.3451C>A, p.Arg1151Ser (NM_032957.5); short protein forms R1127S, R904S, R1151S.
Identifiers: ClinVar variation 839025 (VCV000839025.10), dbSNP rs745614952, ClinGen allele CA409685316.

ClinVar aggregate classification (germline): Uncertain significance (1 of 4 stars; one submission).

Conditions:
Dyskeratosis congenita, autosomal recessive 5 (DKCB5). Identifiers: MedGen C3554656, MONDO:0014076, OMIM 615190.
Pulmonary fibrosis and/or bone marrow failure, Telomere-related, 3. Also called: PULMONARY FIBROSIS AND/OR BONE MARROW FAILURE SYNDROME, TELOMERE-RELATED, 3. Identifiers: Orphanet 2032, MedGen C4225346, MONDO:0014613, OMIM 616373.

Submission:

Labcorp Genetics (formerly Invitae), Labcorp
Classification: Uncertain significance for Dyskeratosis congenita, autosomal recessive 5; Pulmonary fibrosis and/or bone marrow failure, Telomere-related, 3. Last evaluated: 2019-02-14. Review status: criteria provided, single submitter. Criteria: Invitae Variant Classification Sherloc (09022015). Collection method: clinical testing. Allele origin: germline.
Comment: Algorithms developed to predict the effect of missense changes on protein structure and function (SIFT, PolyPhen-2, Align-GVGD) all suggest that this variant is likely to be tolerated, but these predictions have not been confirmed by published functional studies and their clinical significance is uncertain. In summary, the available evidence is currently insufficient to determine the role of this variant in disease. Therefore, it has been classified as a Variant of Uncertain Significance. This variant has not been reported in the literature in individuals with RTEL1-related conditions. This variant is not present in population databases (ExAC no frequency). This sequence change replaces arginine with serine at codon 1127 of the RTEL1 protein (p.Arg1127Ser). The arginine residue is weakly conserved and there is a moderate physicochemical difference between arginine and serine.